The following is an entry in ClinVar:

ClinVar aggregate classification (germline): Uncertain significance (1 of 4 stars; one submission).

Conditions:
Hereditary sensory and autonomic neuropathy type 6. Also called: Neuropathy, hereditary sensory and autonomic, type VI; HSAN VI. Identifiers: Orphanet 314381, MedGen C3539003, MONDO:0013839, OMIM 614653.
Epidermolysis bullosa simplex 3, localized or generalized intermediate, with BP230 deficiency (EBS3). Also called: Epidermolysis bullosa simplex due to BP230 deficiency; Epidermolysis bullosa simplex, autosomal recessive 2. Identifiers: Orphanet 412181, MedGen C3809470, MONDO:0014180, OMIM 615425.

Allele frequency attached by ClinVar (database versions not stated): gnomAD 0.00001; TOPMed 0.00002; gnomAD exomes 0.00005; ExAC 0.00007.
gnomAD v4.1: 102 of 1,609,554 alleles (0.0063%); highest among the groups gnomAD compares: Admixed American, 0.0084%; no homozygotes.

Submission:

Labcorp Genetics (formerly Invitae), Labcorp
Classification: Uncertain significance for Epidermolysis bullosa simplex 3, localized or generalized intermediate, with BP230 deficiency; Hereditary sensory and autonomic neuropathy type 6. Last evaluated: 2021-11-27. Review status: criteria provided, single submitter. Criteria: Invitae Variant Classification Sherloc (09022015). Collection method: clinical testing. Allele origin: germline.
Comment: ClinVar contains an entry for this variant (Variation ID: 571941). In summary, the available evidence is currently insufficient to determine the role of this variant in disease. Therefore, it has been classified as a Variant of Uncertain Significance. Algorithms developed to predict the effect of missense changes on protein structure and function are either unavailable or do not agree on the potential impact of this missense change (SIFT: "Deleterious"; PolyPhen-2: "Benign"; Align-GVGD: "Class C15"). This variant has not been reported in the literature in individuals affected with DST-related conditions. The frequency data for this variant in the population databases is considered unreliable, as metrics indicate poor data quality at this position in the gnomAD database. This sequence change replaces glutamic acid, which is acidic and polar, with lysine, which is basic and polar, at codon 2158 of the DST protein (p.Glu2158Lys).

NM_001723.7(DST):c.6472G>A (p.Glu2158Lys)

Gene: DST (dystonin; minus strand). Cytogenetic location: 6p12.1.
Variant type: single nucleotide variant.
Coding change: c.6472G>A on transcript NM_001723.7 (MANE Plus Clinical); coding-DNA position 6472, G replaced by A.
Protein change: p.Glu2158Lys; replaces glutamic acid 2158 with lysine.
Molecular consequence: missense variant. On other transcripts: intron variant (10).
Genome position (GRCh38, 1-based): chr6:56,616,995, C>T on the plus strand (G>A on the coding strand, the complement: DST is on the minus strand). VCF-style: chr6-56616995-C-T. GRCh37 (hg19) VCF-style: chr6-56481793-C-T.
Other names: c.4831-2511G>A (NM_001144769.5); c.4930-2511G>A (NM_001374722.1, NM_001374736.1); c.4957-2511G>A (NM_001374734.1); c.4417-2511G>A (NM_001144770.2); c.4297-2511G>A (NM_001374730.1, NM_001386100.1, NM_183380.4 and 1 more transcripts); c.3319-2511G>A (NM_015548.5); short protein forms E2158K.
Identifiers: ClinVar variation 571941 (VCV000571941.6), dbSNP rs752133375, ClinGen allele CA3870157.
Genomic context (GRCh38, chr6:56,616,995, plus strand): 5'-CTGTTGCAGCCTGAGCTTCTAAAAATGCCAAAGCCACCATTTTGTCTATTATGATTCTCT[C>T]GGCCGCTGAGGCAAATGAAATCTTTTCTTTTGTAGATTCTAGGTAAAGCCCTGCAATTGA-3'
Protein context (NP_001714.1, residues 2148-2168): KEKISFASAA[Glu2158Lys]RIIIDKMVAL